The following is an entry in ClinVar:

NM_000321.3(RB1):c.2127T>C (p.Tyr709=)

Gene: RB1 (RB transcriptional corepressor 1; plus strand). Cytogenetic location: 13q14.2.
Variant type: single nucleotide variant.
Coding change: c.2127T>C on transcript NM_000321.3 (MANE Select); coding-DNA position 2127, T replaced by C.
Protein change: p.Tyr709=; no amino-acid change (tyrosine 709 retained).
Molecular consequence: synonymous variant.
Genome position (GRCh38, 1-based): chr13:48,463,751, T>C. VCF-style: chr13-48463751-T-C. GRCh37 (hg19) VCF-style: chr13-49037887-T-C.
Identifiers: ClinVar variation 820771 (VCV000820771.15), dbSNP rs1484231598, ClinGen allele CA483559144.
Genomic context (GRCh38, chr13:48,463,751, plus strand): 5'-AATAAAATTCTGACTACTTTTACATCAATTTATTTACTAGATTATGATGTGTTCCATGTA[T>C]GGCATATGCAAAGTGAAGAATATAGACCTTAAATTCAAAATCATTGTAACAGCATACAAG-3'
Protein context (NP_000312.2, residues 699-719): HLDQIMMCSM[Tyr709=]GICKVKNIDL

ClinVar aggregate classification (germline): Benign/Likely benign. Review status: criteria provided, multiple submitters, no conflicts (2 of 4 stars). 4 submissions from 4 submitters: Benign (1); Likely benign (3). Last evaluated 2026-06-25.

Conditions:
Retinoblastoma (RB1). Also called: RETINOBLASTOMA, SOMATIC. Identifiers: Orphanet 790, MedGen C0035335, MeSH D012175, MONDO:0008380, OMIM 180200, HP:0009919. Disease mechanism: loss of function. Inheritance: Both sporadic and heritable forms are tested..
Hereditary cancer-predisposing syndrome. Also called: Tumor predisposition; Hereditary Cancer Syndrome; Hereditary neoplastic syndrome; Neoplastic Syndromes, Hereditary. Identifiers: Orphanet 140162, MedGen C0027672, MeSH D009386, MONDO:0015356.

Allele frequency attached by ClinVar (database versions not stated): TOPMed below 0.00001; gnomAD 0.00001; gnomAD exomes below 0.00001.
gnomAD v4.1: 6 of 1,575,222 alleles (0.00038%); highest among the groups gnomAD compares: Admixed American, 0.0033%; no homozygotes.

Submissions (4):

Myriad Genetics, Inc.
Classification: Benign for Retinoblastoma. Last evaluated: 2026-06-25. Review status: criteria provided, single submitter. Criteria: Myriad Autosomal Dominant, Autosomal Recessive and X-Linked Classification Criteria (2023). Collection method: clinical testing. Allele origin: unknown.
Comment: This variant is considered benign. This variant is a silent/synonymous amino acid change and it is not expected to impact splicing.

Labcorp Genetics (formerly Invitae), Labcorp
Classification: Likely benign for Retinoblastoma. Last evaluated: 2025-08-06. Review status: criteria provided, single submitter. Criteria: Invitae Variant Classification Sherloc (09022015). Collection method: clinical testing. Allele origin: germline.

All of Us Research Program, National Institutes of Health
Classification: Likely benign for Retinoblastoma. Last evaluated: 2023-06-26. Review status: criteria provided, single submitter. Criteria: ACMG Guidelines, 2015. Collection method: clinical testing. Allele origin: germline. Inheritance: Autosomal dominant inheritance. Observed: 2 variant alleles, 2 heterozygotes.
Comment: This study involves interpretation of variants in research participants for the purpose of population health screening. Participant phenotype was not available at the time of variant classification. Additional details can be found in publication PMID: 35346344, PMCID: PMC8962531

Ambry Genetics
Classification: Likely benign for Hereditary cancer-predisposing syndrome. Last evaluated: 2019-08-19. Review status: criteria provided, single submitter. Criteria: Ambry Variant Classification Scheme 2023. Collection method: clinical testing. Allele origin: germline.